The following is an entry in ClinVar:

NM_019892.6(INPP5E):c.1547A>G (p.Lys516Arg)

Gene: INPP5E (inositol polyphosphate-5-phosphatase E; minus strand). Cytogenetic location: 9q34.3.
Variant type: single nucleotide variant.
Coding change: c.1547A>G on transcript NM_019892.6 (MANE Select); coding-DNA position 1547, A replaced by G.
Protein change: p.Lys516Arg; replaces lysine 516 with arginine.
Molecular consequence: missense variant.
Genome position (GRCh38, 1-based): chr9:136,431,826, T>C on the plus strand (A>G on the coding strand, the complement: INPP5E is on the minus strand). VCF-style: chr9-136431826-T-C. GRCh37 (hg19) VCF-style: chr9-139326278-T-C.
Other names: c.1544A>G, p.Lys515Arg (NM_001318502.2); short protein forms K515R, K516R.
Identifiers: ClinVar variation 913312 (VCV000913312.10), dbSNP rs13294000, ClinGen allele CA201638933.

ClinVar aggregate classification (germline): Uncertain significance. Review status: criteria provided, multiple submitters, no conflicts (2 of 4 stars). 2 submissions from 2 submitters: Uncertain significance (2). Last evaluated 2022-08-16.

Conditions:
Joubert syndrome 1 (JBTS1). Also called: Cerebellooculorenal syndrome 1; CEREBELLOPARENCHYMAL DISORDER IV. Identifiers: MedGen C4551568, MONDO:0008944, OMIM 213300.
Joubert syndrome. Also called: JOUBERT-BOLTSHAUSER SYNDROME; Familial aplasia of the vermis. Identifiers: Orphanet 475, MedGen C5979921, MONDO:0018772.

Submissions (2):

Labcorp Genetics (formerly Invitae), Labcorp
Classification: Uncertain significance for Joubert syndrome. Last evaluated: 2022-08-16. Review status: criteria provided, single submitter. Criteria: Invitae Variant Classification Sherloc (09022015). Collection method: clinical testing. Allele origin: germline.
Comment: Algorithms developed to predict the effect of missense changes on protein structure and function output the following: SIFT: "Tolerated"; PolyPhen-2: "Benign"; Align-GVGD: "Class C0". The arginine amino acid residue is found in multiple mammalian species, which suggests that this missense change does not adversely affect protein function. In summary, the available evidence is currently insufficient to determine the role of this variant in disease. Therefore, it has been classified as a Variant of Uncertain Significance. ClinVar contains an entry for this variant (Variation ID: 913312). This sequence change replaces lysine, which is basic and polar, with arginine, which is basic and polar, at codon 516 of the INPP5E protein (p.Lys516Arg). This variant is not present in population databases (gnomAD no frequency). This variant has not been reported in the literature in individuals affected with INPP5E-related conditions.

Illumina Laboratory Services, Illumina
Classification: Uncertain significance for Joubert syndrome 1. Last evaluated: 2018-01-13. Review status: criteria provided, single submitter. Criteria: ICSL Variant Classification Criteria 13 December 2019. Collection method: clinical testing. Allele origin: germline.